The following is an entry in ClinVar:

NM_001184.4(ATR):c.6334C>T (p.Arg2112Cys)

Gene: ATR (ATR checkpoint kinase; minus strand). Cytogenetic location: 3q23.
Variant type: single nucleotide variant.
Coding change: c.6334C>T on transcript NM_001184.4 (MANE Select); coding-DNA position 6334, C replaced by T.
Protein change: p.Arg2112Cys; replaces arginine 2112 with cysteine.
Molecular consequence: missense variant.
Genome position (GRCh38, 1-based): chr3:142,469,555, G>A on the plus strand (C>T on the coding strand, the complement: ATR is on the minus strand). VCF-style: chr3-142469555-G-A. GRCh37 (hg19) VCF-style: chr3-142188397-G-A.
Other names: c.6142C>T, p.Arg2048Cys (NM_001354579.2); short protein forms R2048C, R2112C.
Identifiers: ClinVar variation 2911847 (VCV002911847.3), dbSNP rs1169255490, ClinGen allele CA354805375.
Genomic context (GRCh38, chr3:142,469,555, plus strand): 5'-AGTTTGTATGCTCTGTGATAACCTTGTTTATTTTACCCAAATCATTCCTCATTTGTACAC[G>A]ATCGGAGCGGCCAGCTGGGGGAAGAAATAAGTTTAAAAAACAATAAAGGAAAGAGAAAAA-3'
Protein context (NP_001175.2, residues 2102-2122): YEWEKAGRSD[Arg2112Cys]VQMRNDLGKI

ClinVar aggregate classification (germline): Uncertain significance (1 of 4 stars; one submission).

Allele frequency attached by ClinVar (database versions not stated): gnomAD exomes below 0.00001; gnomAD 0.00001.
gnomAD v4.1: 7 of 1,612,940 alleles (0.00043%); highest among the groups gnomAD compares: East Asian, 0.0022%; no homozygotes.

Submission:

Labcorp Genetics (formerly Invitae), Labcorp
Classification: Uncertain significance. Last evaluated: 2023-05-13. Review status: criteria provided, single submitter. Criteria: Invitae Variant Classification Sherloc (09022015). Collection method: clinical testing. Allele origin: germline.
Comment: In summary, the available evidence is currently insufficient to determine the role of this variant in disease. Therefore, it has been classified as a Variant of Uncertain Significance. This sequence change replaces arginine, which is basic and polar, with cysteine, which is neutral and slightly polar, at codon 2112 of the ATR protein (p.Arg2112Cys). This variant is present in population databases (no rsID available, gnomAD 0.005%). This variant has not been reported in the literature in individuals affected with ATR-related conditions. An algorithm developed to predict the effect of missense changes on protein structure and function (PolyPhen-2) suggests that this variant is likely to be disruptive.